The following is an entry in ClinVar:

ClinVar aggregate classification (germline): Uncertain significance (1 of 4 stars; one submission).

Allele frequency attached by ClinVar (database versions not stated): gnomAD exomes below 0.00001.
gnomAD v4.1: 2 of 1,613,436 alleles (0.00012%); highest among the groups gnomAD compares: Admixed American, 0.0017%; no homozygotes.

Submission:

GeneDx
Classification: Uncertain significance. Last evaluated: 2020-07-31. Review status: criteria provided, single submitter. Criteria: GeneDx Variant Classification Process June 2021. Collection method: clinical testing. Allele origin: germline. Affected: yes.
Comment: Not observed at a significant frequency in large population cohorts (Lek et al., 2016); In silico analysis supports that this missense variant has a deleterious effect on protein structure/function; Has not been previously published as pathogenic or benign to our knowledge

NM_001519.4(BRF1):c.1622G>T (p.Ser541Ile)

Gene: BRF1 (BRF1 RNA polymerase III transcription initiation factor subunit; minus strand). Cytogenetic location: 14q32.33.
Variant type: single nucleotide variant.
Coding change: c.1622G>T on transcript NM_001519.4 (MANE Select); coding-DNA position 1622, G replaced by T.
Protein change: p.Ser541Ile; replaces serine 541 with isoleucine.
Molecular consequence: missense variant.
Genome position (GRCh38, 1-based): chr14:105,217,694, C>A on the plus strand (G>T on the coding strand, the complement: BRF1 is on the minus strand). VCF-style: chr14-105217694-C-A. GRCh37 (hg19) VCF-style: chr14-105684031-C-A.
Other names: c.1343G>T, p.Ser448Ile (NM_001242786.2); c.1277G>T, p.Ser426Ile (NM_001242787.2); c.1541G>T, p.Ser514Ile (NM_001242788.2); c.908G>T, p.Ser303Ile (NM_001242789.2); c.1010G>T, p.Ser337Ile (NM_145685.3); short protein forms S303I, S337I, S426I, S448I, S514I, S541I.
Identifiers: ClinVar variation 1303744 (VCV001303744.2), dbSNP rs376948887, ClinGen allele CA391193465.